The following is an entry in ClinVar:

NM_001378418.1(TCF20):c.5138G>T (p.Ser1713Ile)

Gene: TCF20 (transcription factor 20; minus strand). Cytogenetic location: 22q13.2.
Variant type: single nucleotide variant.
Coding change: c.5138G>T on transcript NM_001378418.1 (MANE Select); coding-DNA position 5138, G replaced by T.
Protein change: p.Ser1713Ile; replaces serine 1713 with isoleucine.
Molecular consequence: missense variant.
Genome position (GRCh38, 1-based): chr22:42,210,168, C>A on the plus strand (G>T on the coding strand, the complement: TCF20 is on the minus strand). VCF-style: chr22-42210168-C-A. GRCh37 (hg19) VCF-style: chr22-42606174-C-A.
Other names: c.5138G>T, p.Ser1713Ile (NM_005650.4, NM_181492.3); short protein forms S1713I.
Identifiers: ClinVar variation 3572804 (VCV003572804.1).

ClinVar aggregate classification (germline): Uncertain significance (1 of 4 stars; one submission).

gnomAD v4.1: 1 of 1,614,204 alleles (0.000062%); highest among the groups gnomAD compares: African/African-American, 0.0013%; no homozygotes.

Submission:

GeneDx
Classification: Uncertain significance. Last evaluated: 2024-07-11. Review status: criteria provided, single submitter. Criteria: GeneDx Variant Classification Process June 2021. Collection method: clinical testing. Allele origin: germline. Affected: yes.
Comment: Not observed at significant frequency in large population cohorts (gnomAD); In silico analysis supports that this missense variant has a deleterious effect on protein structure/function; Has not been previously published as pathogenic or benign to our knowledge